The following is an entry in ClinVar:

ClinVar aggregate classification (germline): Uncertain significance (1 of 4 stars; one submission).

Conditions:
Cardiovascular phenotype. Identifiers: MedGen CN230736.

gnomAD v4.1: 15 of 1,592,670 alleles (0.00094%); highest among the groups gnomAD compares: Admixed American, 0.0034%; no homozygotes.

Submission:

Molecular Diagnostic Laboratory for Inherited Cardiovascular Disease, Montreal Heart Institute
Classification: Uncertain significance for Cardiovascular phenotype. Last evaluated: 2025-04-09. Review status: criteria provided, single submitter. Criteria: ACMG Guidelines, 2015. Collection method: clinical testing. Allele origin: germline. Affected: yes.
Comment: PM2

NM_001281740.3(FHOD3):c.1063C>T (p.Arg355Trp)

Gene: FHOD3 (formin homology 2 domain containing 3; plus strand). Cytogenetic location: 18q12.2.
Variant type: single nucleotide variant.
Coding change: c.1063C>T on transcript NM_001281740.3 (MANE Select); coding-DNA position 1063, C replaced by T.
Protein change: p.Arg355Trp; replaces arginine 355 with tryptophan.
Molecular consequence: missense variant.
Genome position (GRCh38, 1-based): chr18:36,625,616, C>T. VCF-style: chr18-36625616-C-T. GRCh37 (hg19) VCF-style: chr18-34205579-C-T.
Other names: c.1063C>T, p.Arg355Trp (NM_001281739.3, NM_025135.5); short protein forms R355W.
Identifiers: ClinVar variation 3895201 (VCV003895201.1), dbSNP rs960627486.